The following is an entry in ClinVar:

ClinVar aggregate classification (germline): Likely benign. Review status: criteria provided, single submitter (1 of 4 stars). 2 submissions from 2 submitters: Likely benign (1). 1 of the submissions does not count toward it. Last evaluated 2017-12-26.

Conditions:
Intellectual disability. Also called: Intellectual developmental disorder; Intellectual functioning disability; intellectual disabilities. Identifiers: MedGen C3714756, MeSH D008607, MONDO:0001071, HP:0001249.

Allele frequency attached by ClinVar (database versions not stated): TOPMed 0.00001.
gnomAD v4.1: 8 of 1,609,702 alleles (0.0005%); highest among the groups gnomAD compares: Admixed American, 0.0033%; no homozygotes.

Submissions (2):

GeneDx
Classification: Likely benign. Last evaluated: 2017-12-26. Review status: criteria provided, single submitter. Criteria: GeneDx Variant Classification (06012015). Collection method: clinical testing. Allele origin: germline. Affected: yes.
Comment: This variant is considered likely benign or benign based on one or more of the following criteria: it is a conservative change, it occurs at a poorly conserved position in the protein, it is predicted to be benign by multiple in silico algorithms, and/or has population frequency not consistent with disease.

Centre de Biologie Pathologie Génétique, Centre Hospitalier Universitaire de Lille
Classification: Likely benign for Intellectual disability. Last evaluated: 2019-01-01. Review status: no assertion criteria provided. Collection method: clinical testing. Allele origin: inherited. Affected: yes. Not counted in ClinVar's aggregate classification.

NM_018136.5(ASPM):c.7667C>T (p.Ala2556Val)

Gene: ASPM (assembly factor for spindle microtubules; minus strand). Cytogenetic location: 1q31.3.
Variant type: single nucleotide variant.
Coding change: c.7667C>T on transcript NM_018136.5 (MANE Select); coding-DNA position 7667, C replaced by T.
Protein change: p.Ala2556Val; replaces alanine 2556 with valine.
Molecular consequence: missense variant. On other transcripts: intron variant (1).
Genome position (GRCh38, 1-based): chr1:197,101,584, G>A on the plus strand (C>T on the coding strand, the complement: ASPM is on the minus strand). VCF-style: chr1-197101584-G-A. GRCh37 (hg19) VCF-style: chr1-197070714-G-A.
Other names: c.4066-5420C>T (NM_001206846.2); short protein forms A2556V.
Identifiers: ClinVar variation 514285 (VCV000514285.2), dbSNP rs1411046226, ClinGen allele CA344018009.